The following is an entry in ClinVar:

NM_144999.4(LRRC45):c.1439G>A (p.Arg480His)

Gene: LRRC45 (leucine rich repeat containing 45; plus strand). Cytogenetic location: 17q25.3.
Variant type: single nucleotide variant.
Coding change: c.1439G>A on transcript NM_144999.4 (MANE Select); coding-DNA position 1439, G replaced by A.
Protein change: p.Arg480His; replaces arginine 480 with histidine.
Molecular consequence: missense variant.
Genome position (GRCh38, 1-based): chr17:82,029,580, G>A. VCF-style: chr17-82029580-G-A. GRCh37 (hg19) VCF-style: chr17-79987456-G-A.
Other names: short protein forms R480H.
Identifiers: ClinVar variation 3035272 (VCV003035272.2), dbSNP rs150638074, ClinGen allele CA8848104.

ClinVar aggregate classification (germline): Likely benign (0 of 4 stars; one submission).

Conditions:
LRRC45-related disorder. Also called: LRRC45-related condition.

Allele frequency attached by ClinVar (database versions not stated): 1000 Genomes Project 30x 0.00094; 1000 Genomes Project 0.00100; TOPMed 0.00108; gnomAD 0.00118; gnomAD exomes 0.00156; ESP Exome Variant Server 0.00179; ExAC 0.00268.
gnomAD v4.1: 2,373 of 1,580,740 alleles (0.15%); highest among the groups gnomAD compares: Non-Finnish European, 0.19%; 3 homozygotes.

Submission:

PreventionGenetics, part of Exact Sciences
Classification: Likely benign for LRRC45-related condition. Last evaluated: 2024-07-24. Review status: no assertion criteria provided. Collection method: clinical testing. Allele origin: germline.
Comment: This variant is classified as likely benign based on ACMG/AMP sequence variant interpretation guidelines (Richards et al. 2015 PMID: 25741868, with internal and published modifications).